The following is an entry in ClinVar:

NM_007363.5(NONO):c.196G>A (p.Gly66Arg)

Gene: NONO (non-POU domain containing octamer binding; plus strand). Cytogenetic location: Xq13.1.
Variant type: single nucleotide variant.
Coding change: c.196G>A on transcript NM_007363.5 (MANE Select); coding-DNA position 196, G replaced by A.
Protein change: p.Gly66Arg; replaces glycine 66 with arginine.
Molecular consequence: missense variant. On other transcripts: 5 prime UTR variant (1).
Genome position (GRCh38, 1-based): chrX:71,291,820, G>A. VCF-style: chrX-71291820-G-A. GRCh37 (hg19) VCF-style: chrX-70511670-G-A.
Other names: c.196G>A, p.Gly66Arg (NM_001145408.2, NM_001145409.2); c.-72G>A (NM_001145410.2); short protein forms G66R.
Identifiers: ClinVar variation 1917731 (VCV001917731.5), dbSNP rs1204992623, ClinGen allele CA413538659.

ClinVar aggregate classification (germline): Uncertain significance (1 of 4 stars; one submission).

Allele frequency attached by ClinVar (database versions not stated): gnomAD 0.00001.
gnomAD v4.1: 1 of 1,199,023 alleles (0.000083%); highest among the groups gnomAD compares: Admixed American, 0.0023%; no homozygotes.

Submission:

Labcorp Genetics (formerly Invitae), Labcorp
Classification: Uncertain significance. Last evaluated: 2024-04-10. Review status: criteria provided, single submitter. Criteria: Invitae Variant Classification Sherloc (09022015). Collection method: clinical testing. Allele origin: germline.
Comment: This sequence change replaces glycine, which is neutral and non-polar, with arginine, which is basic and polar, at codon 66 of the NONO protein (p.Gly66Arg). This variant is present in population databases (no rsID available, gnomAD 0.2%). This variant has not been reported in the literature in individuals affected with NONO-related conditions. ClinVar contains an entry for this variant (Variation ID: 1917731). Advanced modeling of protein sequence and biophysical properties (such as structural, functional, and spatial information, amino acid conservation, physicochemical variation, residue mobility, and thermodynamic stability) performed at Invitae indicates that this missense variant is not expected to disrupt NONO protein function with a negative predictive value of 80%. In summary, the available evidence is currently insufficient to determine the role of this variant in disease. Therefore, it has been classified as a Variant of Uncertain Significance.